The following is an entry in ClinVar:

ClinVar aggregate classification (germline): Uncertain significance (1 of 4 stars; one submission).

Conditions:
Cardiomyopathy (CMYO). Also called: Cardiomyopathies. Identifiers: Orphanet 167848, MedGen C0878544, MONDO:0004994, HP:0001638. Inheritance: Various modes of inheritance.

Submission:

Color Diagnostics, LLC DBA Color Health
Classification: Uncertain significance for Cardiomyopathy. Last evaluated: 2024-03-06. Review status: criteria provided, single submitter. Criteria: ACMG Guidelines, 2015. Collection method: clinical testing. Allele origin: germline.
Comment: This missense variant replaces serine with tyrosine at codon 202 of the DSG2 protein. Computational prediction tool suggests that this variant may not impact protein structure and function (internally defined REVEL score threshold <=0.5, PMID: 27666373). Splice site prediction tools suggest that this variant may not impact RNA splicing. To our knowledge, functional studies have not been performed for this variant. This variant has not been reported in individuals affected with cardiovascular disorders in the literature. This variant has not been identified in the general population by the Genome Aggregation Database (gnomAD). The available evidence is insufficient to determine the role of this variant in disease conclusively. Therefore, this variant is classified as a Variant of Uncertain Significance.

NM_001943.5(DSG2):c.605C>A (p.Ser202Tyr)

Gene: DSG2 (desmoglein 2; plus strand). Cytogenetic location: 18q12.1.
Variant type: single nucleotide variant.
Coding change: c.605C>A on transcript NM_001943.5 (MANE Select); coding-DNA position 605, C replaced by A.
Protein change: p.Ser202Tyr; replaces serine 202 with tyrosine.
Molecular consequence: missense variant.
Genome position (GRCh38, 1-based): chr18:31,522,164, C>A. VCF-style: chr18-31522164-C-A. GRCh37 (hg19) VCF-style: chr18-29102127-C-A.
Other names: short protein forms S202Y.
Identifiers: ClinVar variation 927518 (VCV000927518.4), dbSNP rs2073131985, ClinGen allele CA402133683.